The following is an entry in ClinVar:

NM_030662.4(MAP2K2):c.639C>T (p.Phe213=)

Gene: MAP2K2 (mitogen-activated protein kinase kinase 2; minus strand). Cytogenetic location: 19p13.3.
Variant type: single nucleotide variant.
Coding change: c.639C>T on transcript NM_030662.4 (MANE Select); coding-DNA position 639, C replaced by T.
Protein change: p.Phe213=; no amino-acid change (phenylalanine 213 retained).
Molecular consequence: synonymous variant.
Genome position (GRCh38, 1-based): chr19:4,101,085, G>A on the plus strand (C>T on the coding strand, the complement: MAP2K2 is on the minus strand). VCF-style: chr19-4101085-G-A. GRCh37 (hg19) VCF-style: chr19-4101083-G-A.
Identifiers: ClinVar variation 179367 (VCV000179367.13), dbSNP rs727504818, ClinGen allele CA184276.

ClinVar aggregate classification (germline): Likely benign. Review status: criteria provided, multiple submitters, no conflicts (2 of 4 stars). 6 submissions from 6 submitters: Likely benign (6). Last evaluated 2025-09-08.

Conditions:
Cardiovascular phenotype. Identifiers: MedGen CN230736.
RASopathy. Also called: Noonan spectrum disorder; rasopathies. Identifiers: Orphanet 536391, MedGen C5555857, MONDO:0021060.

Allele frequency attached by ClinVar (database versions not stated): gnomAD 0.00001; gnomAD exomes 0.00001; TOPMed 0.00001; ExAC 0.00003.
gnomAD v4.1: 18 of 1,599,672 alleles (0.0011%); highest among the groups gnomAD compares: South Asian, 0.009%; no homozygotes.

Submissions (6):

Labcorp Genetics (formerly Invitae), Labcorp
Classification: Likely benign for RASopathy. Last evaluated: 2025-09-08. Review status: criteria provided, single submitter. Criteria: Invitae Variant Classification Sherloc (09022015). Collection method: clinical testing. Allele origin: germline.

Ambry Genetics
Classification: Likely benign for Cardiovascular phenotype. Last evaluated: 2024-10-21. Review status: criteria provided, single submitter. Criteria: Ambry Variant Classification Scheme 2023. Collection method: clinical testing. Allele origin: germline.

Blueprint Genetics
Classification: Likely benign. Last evaluated: 2022-08-16. Review status: criteria provided, single submitter. Criteria: ACMG Guidelines, 2015. Collection method: clinical testing. Allele origin: germline.

Women's Health and Genetics/Laboratory Corporation of America, LabCorp
Classification: Likely benign. Last evaluated: 2021-11-29. Review status: criteria provided, single submitter. Criteria: LabCorp Variant Classification Summary - May 2015. Collection method: clinical testing. Allele origin: germline.

GeneDx
Classification: Likely benign. Last evaluated: 2018-05-07. Review status: criteria provided, single submitter. Criteria: GeneDx Variant Classification (06012015). Collection method: clinical testing. Allele origin: germline. Affected: yes.
Comment: This variant is considered likely benign or benign based on one or more of the following criteria: it is a conservative change, it occurs at a poorly conserved position in the protein, it is predicted to be benign by multiple in silico algorithms, and/or has population frequency not consistent with disease.

Laboratory for Molecular Medicine, Mass General Brigham Personalized Medicine
Classification: Likely benign. Last evaluated: 2013-10-09. Review status: criteria provided, single submitter. Criteria: LMM Criteria. Collection method: clinical testing. Allele origin: germline. Observed: 1 variant allele.
Comment: Phe213Phe in exon 6 of MAP2K2: This variant is not expected to have clinical si gnificance because it does not alter an amino acid residue and it is not located within the splice consensus sequence.